The following is an entry in ClinVar:

NC_000020.11:g.(?_8646082)_(8881869_?)dup

Gene: PLCB1 (phospholipase C beta 1; plus strand). Cytogenetic location: 20p12.3.
Variant type: Duplication.
Identifiers: ClinVar variation 830629 (VCV000830629.7).

ClinVar aggregate classification (germline): Uncertain significance (1 of 4 stars; one submission).

Conditions:
Developmental and epileptic encephalopathy, 12 (DEE12). Identifiers: MedGen C3150988, MONDO:0013389, OMIM 613722.

Submission:

Labcorp Genetics (formerly Invitae), Labcorp
Classification: Uncertain significance for Developmental and epileptic encephalopathy, 12. Last evaluated: 2019-08-06. Review status: criteria provided, single submitter. Criteria: Invitae Variant Classification Sherloc (09022015). Collection method: clinical testing. Allele origin: germline.
Comment: In summary, the available evidence is currently insufficient to determine the role of this variant in disease. Therefore, it has been classified as a Variant of Uncertain Significance. This variant has not been reported in the literature in individuals with PLCB1-related conditions. This variant results in a copy number gain of the genomic region encompassing exons 5-32 of the PLCB1 gene. The 5' boundary is likely confined to intron 4. The 3' end of this event is unknown as it extends beyond the assayed region for this gene and therefore may encompass additional genes. As the precise location of this event is unknown, it may be in tandem or it may be located elsewhere in the genome.